The following is an entry in ClinVar:

NM_000465.4(BARD1):c.1114G>C (p.Val372Leu)

Gene: BARD1 (BRCA1 associated RING domain 1; minus strand). Cytogenetic location: 2q35.
Variant type: single nucleotide variant.
Coding change: c.1114G>C on transcript NM_000465.4 (MANE Select); coding-DNA position 1114, G replaced by C.
Protein change: p.Val372Leu; replaces valine 372 with leucine.
Molecular consequence: missense variant. On other transcripts: non-coding transcript variant (2), intron variant (3).
Genome position (GRCh38, 1-based): chr2:214,780,760, C>G on the plus strand (G>C on the coding strand, the complement: BARD1 is on the minus strand). VCF-style: chr2-214780760-C-G. GRCh37 (hg19) VCF-style: chr2-215645484-C-G.
Other names: c.1057G>C, p.Val353Leu (NM_001282543.2); c.159-28205G>C (NM_001282548.2); c.215+16301G>C (NM_001282545.2); c.364+11537G>C (NM_001282549.2); short protein forms V372L, V353L.
Identifiers: ClinVar variation 649379 (VCV000649379.9), dbSNP rs1574817297, ClinGen allele CA350454030.

ClinVar aggregate classification (germline): Uncertain significance (1 of 4 stars; one submission).

Conditions:
Familial cancer of breast. Also called: hereditary breast carcinoma; Hereditary breast cancer; BREAST CANCER, FAMILIAL. Identifiers: Orphanet 227535, MedGen C0346153, MONDO:0016419, OMIM 114480. Disease mechanism: loss of function.

Submission:

Labcorp Genetics (formerly Invitae), Labcorp
Classification: Uncertain significance for Familial cancer of breast. Last evaluated: 2025-09-14. Review status: criteria provided, single submitter. Criteria: Invitae Variant Classification Sherloc (09022015). Collection method: clinical testing. Allele origin: germline.
Comment: This sequence change replaces valine, which is neutral and non-polar, with leucine, which is neutral and non-polar, at codon 372 of the BARD1 protein (p.Val372Leu). This variant is not present in population databases (gnomAD no frequency). This variant has not been reported in the literature in individuals affected with BARD1-related conditions. ClinVar contains an entry for this variant (Variation ID: 649379). An algorithm developed to predict the effect of missense changes on protein structure and function (PolyPhen-2) suggests that this variant is likely to be tolerated. In summary, the available evidence is currently insufficient to determine the role of this variant in disease. Therefore, it has been classified as a Variant of Uncertain Significance.